The following is an entry in ClinVar:

ClinVar aggregate classification (germline): Likely benign (1 of 4 stars; one submission).

gnomAD v4.1: 1 of 1,613,506 alleles (0.000062%); highest among the groups gnomAD compares: Admixed American, 0.0017%; no homozygotes.

Submission:

Mayo Clinic Laboratories, Mayo Clinic
Classification: Likely benign. Last evaluated: 2024-12-17. Review status: criteria provided, single submitter. Criteria: ACMG Guidelines, 2015. Collection method: clinical testing. Allele origin: germline. Observed: 1 variant allele.
Comment: BP4, BP7

NM_015378.4(VPS13D):c.11859T>C (p.Phe3953=)

Gene: VPS13D (vacuolar protein sorting 13 homolog D; plus strand). Cytogenetic location: 1p36.22.
Variant type: single nucleotide variant.
Coding change: c.11859T>C on transcript NM_015378.4 (MANE Select); coding-DNA position 11859, T replaced by C.
Protein change: p.Phe3953=; no amino-acid change (phenylalanine 3953 retained).
Molecular consequence: synonymous variant.
Genome position (GRCh38, 1-based): chr1:12,401,682, T>C. VCF-style: chr1-12401682-T-C. GRCh37 (hg19) VCF-style: chr1-12461735-T-C.
Other names: p.Phe3953=; c.11784T>C, p.Phe3928= (NM_018156.4).
Identifiers: ClinVar variation 4684667 (VCV004684667.1).